The following is an entry in ClinVar:

ClinVar aggregate classification (germline): Uncertain significance (1 of 4 stars; one submission).

Submission:

Labcorp Genetics (formerly Invitae), Labcorp
Classification: Uncertain significance. Last evaluated: 2022-08-01. Review status: criteria provided, single submitter. Criteria: Invitae Variant Classification Sherloc (09022015). Collection method: clinical testing. Allele origin: germline.
Comment: Algorithms developed to predict the effect of missense changes on protein structure and function are either unavailable or do not agree on the potential impact of this missense change (SIFT: "Deleterious"; PolyPhen-2: "Not Available"; Align-GVGD: "Class C25"). In summary, the available evidence is currently insufficient to determine the role of this variant in disease. Therefore, it has been classified as a Variant of Uncertain Significance. This variant has not been reported in the literature in individuals affected with CDH23-related conditions. This variant is not present in population databases (gnomAD no frequency). This sequence change replaces glutamic acid, which is acidic and polar, with glutamine, which is neutral and polar, at codon 422 of the CDH23 protein (p.Glu422Gln).

NM_022124.6(CDH23):c.1264G>C (p.Glu422Gln)

Gene: CDH23 (cadherin related 23; plus strand). Cytogenetic location: 10q22.1.
Variant type: single nucleotide variant.
Coding change: c.1264G>C on transcript NM_022124.6 (MANE Select); coding-DNA position 1264, G replaced by C.
Protein change: p.Glu422Gln; replaces glutamic acid 422 with glutamine.
Molecular consequence: missense variant.
Genome position (GRCh38, 1-based): chr10:71,645,954, G>C. VCF-style: chr10-71645954-G-C. GRCh37 (hg19) VCF-style: chr10-73405711-G-C.
Other names: c.1264G>C, p.Glu422Gln (NM_001171930.2, NM_001171931.2, NM_052836.4); short protein forms E422Q.
Identifiers: ClinVar variation 1714704 (VCV001714704.5), dbSNP rs751486021, ClinGen allele CA377127825.